The following is an entry in ClinVar:

ClinVar aggregate classification (germline): Pathogenic (1 of 4 stars; one submission).

Conditions:
Primary ciliary dyskinesia 23 (CILD23). Also called: CILIARY DYSKINESIA, PRIMARY, 23, WITH OR WITHOUT SITUS INVERSUS. Identifiers: Orphanet 244, MedGen C3809548, MONDO:0014193, OMIM 615451.

Allele frequency attached by ClinVar (database versions not stated): gnomAD exomes 0.00002.

Submission:

Labcorp Genetics (formerly Invitae), Labcorp
Classification: Pathogenic for Primary ciliary dyskinesia 23. Last evaluated: 2023-11-22. Review status: criteria provided, single submitter. Criteria: Invitae Variant Classification Sherloc (09022015). Collection method: clinical testing. Allele origin: germline.
Comment: This sequence change creates a premature translational stop signal (p.Thr263Ilefs*9) in the ARMC4 gene. It is expected to result in an absent or disrupted protein product. Loss-of-function variants in ARMC4 are known to be pathogenic (PMID: 23849778). This variant is not present in population databases (gnomAD no frequency). This variant has not been reported in the literature in individuals affected with ARMC4-related conditions. For these reasons, this variant has been classified as Pathogenic.

Literature cited by the submitters: PubMed 23849778.

NM_018076.5(ODAD2):c.788del (p.Thr263fs)

Gene: ODAD2 (outer dynein arm docking complex subunit 2; minus strand). Cytogenetic location: 10p12.1.
Variant type: Deletion.
Coding change: c.788del on transcript NM_018076.5 (MANE Select); coding-DNA position 788, one base deleted (C; older notation c.788delC).
Protein change: p.Thr263fs; shifts the reading frame from threonine 263.
Molecular consequence: frameshift variant.
Genome position (GRCh38, 1-based): chr10:27,983,874, G deleted on the plus strand (C on the coding strand, the reverse complement: ODAD2 is on the minus strand). VCF-style (leftmost placement, unchanged base first): chr10-27983873-AG-A. GRCh37 (hg19) VCF-style: chr10-28272802-AG-A.
Other names: c.788del, p.Thr263fs (NM_001290020.2); short protein forms T263fs.
Identifiers: ClinVar variation 2779040 (VCV002779040.2), dbSNP rs2494378551, ClinGen allele CA2574519012.